The following is an entry in ClinVar:

ClinVar aggregate classification (germline): Uncertain significance. Review status: criteria provided, multiple submitters, no conflicts (2 of 4 stars). 2 submissions from 2 submitters: Uncertain significance (2). Last evaluated 2026-01-28.

Conditions:
Inborn genetic diseases. Identifiers: MedGen C0950123, MeSH D030342.

Allele frequency attached by ClinVar (database versions not stated): TOPMed 0.00003; gnomAD 0.00004; gnomAD exomes 0.00002; ExAC 0.00003; ESP Exome Variant Server 0.00015.
gnomAD v4.1: 42 of 1,613,990 alleles (0.0026%); highest among the groups gnomAD compares: Admixed American, 0.0033%; no homozygotes.

Submissions (2):

Labcorp Genetics (formerly Invitae), Labcorp
Classification: Uncertain significance. Last evaluated: 2026-01-28. Review status: criteria provided, single submitter. Criteria: Invitae Variant Classification Sherloc (09022015). Collection method: clinical testing. Allele origin: germline.
Comment: This sequence change replaces arginine, which is basic and polar, with glutamine, which is neutral and polar, at codon 431 of the MBD4 protein (p.Arg431Gln). This variant is present in population databases (rs373218090, gnomAD 0.06%). This variant has not been reported in the literature in individuals affected with MBD4-related conditions. ClinVar contains an entry for this variant (Variation ID: 2867695). An algorithm developed to predict the effect of missense changes on protein structure and function (PolyPhen-2) suggests that this variant is likely to be disruptive. Algorithms developed to predict the effect of sequence changes on RNA splicing suggest that this variant may disrupt the consensus splice site. In summary, the available evidence is currently insufficient to determine the role of this variant in disease. Therefore, it has been classified as a Variant of Uncertain Significance.

Ambry Genetics
Classification: Uncertain significance for Inborn genetic diseases. Last evaluated: 2024-11-21. Review status: criteria provided, single submitter. Criteria: Ambry Variant Classification Scheme 2023. Collection method: clinical testing. Allele origin: germline.
Comment: The p.R425Q variant (also known as c.1274G>A), located in coding exon 5 of the MBD4 gene, results from a G to A substitution at nucleotide position 1274. The arginine at codon 425 is replaced by glutamine, an amino acid with highly similar properties. This amino acid position is conserved. In addition, the in silico prediction for this alteration is inconclusive. Based on the available evidence, the clinical significance of this variant remains unclear.

NM_001276270.2(MBD4):c.1274G>A (p.Arg425Gln)

Gene: MBD4 (methyl-CpG binding domain 4, DNA glycosylase; minus strand). Cytogenetic location: 3q21.3.
Variant type: single nucleotide variant.
Coding change: c.1274G>A on transcript NM_001276270.2 (MANE Select); coding-DNA position 1274, G replaced by A.
Protein change: p.Arg425Gln; replaces arginine 425 with glutamine.
Molecular consequence: missense variant.
Genome position (GRCh38, 1-based): chr3:129,433,969, C>T on the plus strand (G>A on the coding strand, the complement: MBD4 is on the minus strand). VCF-style: chr3-129433969-C-T. GRCh37 (hg19) VCF-style: chr3-129152812-C-T.
Other names: c.1292G>A, p.Arg431Gln (NM_001276271.2, NM_001276272.2, NM_003925.3); c.338G>A, p.Arg113Gln (NM_001276273.2); short protein forms R431Q, R113Q, R425Q.
Identifiers: ClinVar variation 2867695 (VCV002867695.4), dbSNP rs373218090, ClinGen allele CA2605337.